The following is an entry in ClinVar:

NM_001378452.1(ITPR1):c.3181G>A (p.Asp1061Asn)

Gene: ITPR1 (inositol 1,4,5-trisphosphate receptor type 1; plus strand). Cytogenetic location: 3p26.1.
Variant type: single nucleotide variant.
Coding change: c.3181G>A on transcript NM_001378452.1 (MANE Select); coding-DNA position 3181, G replaced by A.
Protein change: p.Asp1061Asn; replaces aspartic acid 1061 with asparagine.
Molecular consequence: missense variant.
Genome position (GRCh38, 1-based): chr3:4,683,405, G>A. VCF-style: chr3-4683405-G-A. GRCh37 (hg19) VCF-style: chr3-4725089-G-A.
Other names: c.3154G>A, p.Asp1052Asn (NM_001099952.4); c.3136G>A, p.Asp1046Asn (NM_001168272.2); c.3109G>A, p.Asp1037Asn (NM_002222.7); short protein forms D1037N, D1052N, D1046N, D1061N.
Identifiers: ClinVar variation 2709814 (VCV002709814.3), dbSNP rs2469794034, ClinGen allele CA351650528.
Genomic context (GRCh38, chr3:4,683,405, plus strand): 5'-TTGTCATTCATTTGGCCTTTCCCCACCTTGTGCTCCTTTAGTGAGGAGAACACCCCACTG[G>A]ACTTGGATGACCACGGCGGCAGAACCTTTCTCCGTGTCCTGCTCCACTTGACGATGCATG-3'
Protein context (NP_001365381.1, residues 1051-1071): FGGSEENTPL[Asp1061Asn]LDDHGGRTFL

ClinVar aggregate classification (germline): Uncertain significance (1 of 4 stars; one submission).

Submission:

Labcorp Genetics (formerly Invitae), Labcorp
Classification: Uncertain significance. Last evaluated: 2024-01-17. Review status: criteria provided, single submitter. Criteria: Invitae Variant Classification Sherloc (09022015). Collection method: clinical testing. Allele origin: germline.
Comment: This sequence change replaces aspartic acid, which is acidic and polar, with asparagine, which is neutral and polar, at codon 1037 of the ITPR1 protein (p.Asp1037Asn). This variant is not present in population databases (gnomAD no frequency). This variant has not been reported in the literature in individuals affected with ITPR1-related conditions. Advanced modeling of protein sequence and biophysical properties (such as structural, functional, and spatial information, amino acid conservation, physicochemical variation, residue mobility, and thermodynamic stability) performed at Invitae indicates that this missense variant is not expected to disrupt ITPR1 protein function with a negative predictive value of 80%. In summary, the available evidence is currently insufficient to determine the role of this variant in disease. Therefore, it has been classified as a Variant of Uncertain Significance.